The following is an entry in ClinVar:

ClinVar aggregate classification (germline): Likely benign. Review status: criteria provided, multiple submitters, no conflicts (2 of 4 stars). 3 submissions from 3 submitters: Likely benign (3). Last evaluated 2026-01-12.

Allele frequency attached by ClinVar (database versions not stated): gnomAD 0.00001; ExAC 0.00003; gnomAD exomes 0.00004; TOPMed 0.00005.
gnomAD v4.1: 68 of 1,612,916 alleles (0.0042%); highest among the groups gnomAD compares: Admixed American, 0.0084%; no homozygotes.

Submissions (3):

Labcorp Genetics (formerly Invitae), Labcorp
Classification: Likely benign. Last evaluated: 2026-01-12. Review status: criteria provided, single submitter. Criteria: Invitae Variant Classification Sherloc (09022015). Collection method: clinical testing. Allele origin: germline.

CeGaT Center for Human Genetics Tuebingen
Classification: Likely benign. Last evaluated: 2024-08-01. Review status: criteria provided, single submitter. Criteria: CeGaT Center For Human Genetics Tuebingen Variant Classification Criteria Version 2. Collection method: clinical testing. Allele origin: germline. Affected: yes. Observed: 1 variant allele.
Comment: CAD: BP4, BP7

Blueprint Genetics
Classification: Likely benign. Last evaluated: 2023-12-20. Review status: criteria provided, single submitter. Criteria: ACMG Guidelines, 2015. Collection method: clinical testing. Allele origin: germline.

NM_004341.5(CAD):c.5766G>A (p.Val1922=)

Gene: CAD (carbamoyl-phosphate synthetase 2, aspartate transcarbamylase, and dihydroorotase; plus strand). Cytogenetic location: 2p23.3.
Variant type: single nucleotide variant.
Coding change: c.5766G>A on transcript NM_004341.5 (MANE Select); coding-DNA position 5766, G replaced by A.
Protein change: p.Val1922=; no amino-acid change (valine 1922 retained).
Molecular consequence: synonymous variant.
Genome position (GRCh38, 1-based): chr2:27,241,185, G>A. VCF-style: chr2-27241185-G-A. GRCh37 (hg19) VCF-style: chr2-27464053-G-A.
Other names: c.5577G>A, p.Val1859= (NM_001306079.2).
Identifiers: ClinVar variation 1985151 (VCV001985151.21), dbSNP rs760516213, ClinGen allele CA1573989.
Genomic context (GRCh38, chr2:27,241,185, plus strand): 5'-GAACCTGGGGACCCCTGGCTTGCTGCACCCCCAGACCTCACCCCTGCTGCACTCATTAGT[G>A]GGCCAACATATCCTGTCCGTCCAGCAGTTCACCAAGGATCAGGTGCCTGGGGCAGGGAGG-3'
Protein context (NP_004332.2, residues 1912-1932): PQTSPLLHSL[Val1922=]GQHILSVQQF